The following is an entry in ClinVar:

NM_017999.5(RNF31):c.896G>A (p.Ser299Asn)

Gene: RNF31 (ring finger protein 31; plus strand). Cytogenetic location: 14q12.
Variant type: single nucleotide variant.
Coding change: c.896G>A on transcript NM_017999.5 (MANE Select); coding-DNA position 896, G replaced by A.
Protein change: p.Ser299Asn; replaces serine 299 with asparagine.
Molecular consequence: missense variant.
Genome position (GRCh38, 1-based): chr14:24,150,147, G>A. VCF-style: chr14-24150147-G-A. GRCh37 (hg19) VCF-style: chr14-24619356-G-A.
Other names: c.443G>A, p.Ser148Asn (NM_001310332.2); short protein forms S148N, S299N.
Identifiers: ClinVar variation 3696431 (VCV003696431.2).

ClinVar aggregate classification (germline): Uncertain significance (1 of 4 stars; one submission).

Submission:

Labcorp Genetics (formerly Invitae), Labcorp
Classification: Uncertain significance. Last evaluated: 2024-08-19. Review status: criteria provided, single submitter. Criteria: Invitae Variant Classification Sherloc (09022015). Collection method: clinical testing. Allele origin: germline.
Comment: This sequence change replaces serine, which is neutral and polar, with asparagine, which is neutral and polar, at codon 299 of the RNF31 protein (p.Ser299Asn). This variant is present in population databases (rs530719388, gnomAD 0.02%). This variant has not been reported in the literature in individuals affected with RNF31-related conditions. An algorithm developed to predict the effect of missense changes on protein structure and function outputs the following: PolyPhen-2: "Benign". The asparagine amino acid residue is found in multiple mammalian species, which suggests that this missense change does not adversely affect protein function. In summary, the available evidence is currently insufficient to determine the role of this variant in disease. Therefore, it has been classified as a Variant of Uncertain Significance.